The following is an entry in ClinVar:

NM_001006630.2(CHRM2):c.116T>A (p.Ile39Asn)

Genes: CHRM2 (cholinergic receptor muscarinic 2; plus strand), LOC349160 (uncharacterized LOC349160; minus strand). Cytogenetic location: 7q33.
Variant type: single nucleotide variant.
Coding change: c.116T>A on transcript NM_001006630.2 (MANE Select); coding-DNA position 116, T replaced by A.
Protein change: p.Ile39Asn; replaces isoleucine 39 with asparagine.
Molecular consequence: missense variant.
Genome position (GRCh38, 1-based): chr7:137,014,981, T>A. VCF-style: chr7-137014981-T-A. GRCh37 (hg19) VCF-style: chr7-136699728-T-A.
Other names: c.116T>A, p.Ile39Asn (NM_001378972.1, NM_001378973.1, NM_001006632.3 and 6 more transcripts); short protein forms I39N.
Identifiers: ClinVar variation 1988032 (VCV001988032.4), dbSNP rs2536204007, ClinGen allele CA369485767.
Genomic context (GRCh38, chr7:137,014,981, plus strand): 5'-AGACATTTGAAGTGGTGTTTATTGTCCTGGTGGCTGGATCCCTCAGTTTGGTGACCATTA[T>A]CGGGAACATCCTAGTCATGGTTTCCATTAAAGTCAACCGCCACCTCCAGACCGTCAACAA-3'
Protein context (NP_001006631.1, residues 29-49): VAGSLSLVTI[Ile39Asn]GNILVMVSIK

ClinVar aggregate classification (germline): Uncertain significance (1 of 4 stars; one submission).

gnomAD v4.1: 1 of 1,613,326 alleles (0.000062%); highest among the groups gnomAD compares: Non-Finnish European, 0.000085%; no homozygotes.

Submission:

Labcorp Genetics (formerly Invitae), Labcorp
Classification: Uncertain significance. Last evaluated: 2022-08-10. Review status: criteria provided, single submitter. Criteria: Invitae Variant Classification Sherloc (09022015). Collection method: clinical testing. Allele origin: germline.
Comment: In summary, the available evidence is currently insufficient to determine the role of this variant in disease. Therefore, it has been classified as a Variant of Uncertain Significance. Algorithms developed to predict the effect of missense changes on protein structure and function are either unavailable or do not agree on the potential impact of this missense change (SIFT: "Deleterious"; PolyPhen-2: "Possibly Damaging"; Align-GVGD: "Class C15"). This variant has not been reported in the literature in individuals affected with CHRM2-related conditions. This variant is not present in population databases (gnomAD no frequency). This sequence change replaces isoleucine, which is neutral and non-polar, with asparagine, which is neutral and polar, at codon 39 of the CHRM2 protein (p.Ile39Asn).